The following is an entry in ClinVar:

NM_006421.5(ARFGEF1):c.1001A>C (p.Glu334Ala)

Gene: ARFGEF1 (ARF guanine nucleotide exchange factor 1; minus strand). Cytogenetic location: 8q13.2.
Variant type: single nucleotide variant.
Coding change: c.1001A>C on transcript NM_006421.5 (MANE Select); coding-DNA position 1001, A replaced by C.
Protein change: p.Glu334Ala; replaces glutamic acid 334 with alanine.
Molecular consequence: missense variant. On other transcripts: 5 prime UTR variant (1), non-coding transcript variant (1).
Genome position (GRCh38, 1-based): chr8:67,287,981, T>G on the plus strand (A>C on the coding strand, the complement: ARFGEF1 is on the minus strand). VCF-style: chr8-67287981-T-G. GRCh37 (hg19) VCF-style: chr8-68200216-T-G.
Other names: c.1001A>C, p.Glu334Ala (NM_001413184.1, NM_001413185.1, NM_001413186.1 and 7 more transcripts); c.401A>C, p.Glu134Ala (NM_001413188.1, NM_001413193.1, NM_001413197.1); c.-115A>C (NM_001413196.1); short protein forms E134A, E334A.
Identifiers: ClinVar variation 4875410 (VCV004875410.2).
Genomic context (GRCh38, chr8:67,287,981, plus strand): 5'-ACAGAGTAAAATAATTTTGAATGAAGTATACTACCTCCAACAACAATGTTCACCATTTCT[T>G]CTACAATGTTCTGTACAATGTCTTGTGGCTTTTCCTCACAATCATGGTTTTCTCCGTCAT-3'
Protein context (NP_006412.2, residues 324-344): KPQDIVQNIV[Glu334Ala]EMVNIVVGDM

ClinVar aggregate classification (germline): Uncertain significance (1 of 4 stars; one submission).

gnomAD v4.1: 2 of 1,594,632 alleles (0.00013%); highest among the groups gnomAD compares: Non-Finnish European, 0.00017%; no homozygotes.

Submission:

CeGaT Center for Human Genetics Tuebingen
Classification: Uncertain significance. Last evaluated: 2026-06-01. Review status: criteria provided, single submitter. Criteria: CeGaT Center For Human Genetics Tuebingen Variant Classification Criteria Version 2. Collection method: clinical testing. Allele origin: germline. Affected: yes. Observed: 1 variant allele.
Comment: ARFGEF1: PM2, BP4